The following is an entry in ClinVar:

ClinVar aggregate classification (germline): Uncertain significance (1 of 4 stars; one submission).

Conditions:
Progressive sclerosing poliodystrophy (MTDPS4A). Also called: Mitochondrial DNA depletion syndrome 4A (Alpers type); ALPERS PROGRESSIVE INFANTILE POLIODYSTROPHY; NEURONAL DEGENERATION OF CHILDHOOD WITH LIVER DISEASE, PROGRESSIVE; Alpers Syndrome; ALPERS DIFFUSE DEGENERATION OF CEREBRAL GRAY MATTER WITH HEPATIC CIRRHOSIS; Alpers-Huttenlocher Syndrome. Identifiers: Orphanet 726, MedGen C0205710, MONDO:0008758, OMIM 203700.

gnomAD v4.1: 1 of 1,613,670 alleles (0.000062%); highest among the groups gnomAD compares: African/African-American, 0.0013%; no homozygotes.

Submission:

Labcorp Genetics (formerly Invitae), Labcorp
Classification: Uncertain significance for Progressive sclerosing poliodystrophy. Last evaluated: 2025-08-06. Review status: criteria provided, single submitter. Criteria: Invitae Variant Classification Sherloc (09022015). Collection method: clinical testing. Allele origin: germline.
Comment: This sequence change replaces leucine, which is neutral and non-polar, with serine, which is neutral and polar, at codon 697 of the POLG protein (p.Leu697Ser). This variant is present in population databases (no rsID available, gnomAD 0.01%). This variant has not been reported in the literature in individuals affected with POLG-related conditions. Invitae Evidence Modeling of protein sequence and biophysical properties (such as structural, functional, and spatial information, amino acid conservation, physicochemical variation, residue mobility, and thermodynamic stability) indicates that this missense variant is not expected to disrupt POLG protein function with a negative predictive value of 95%. In summary, the available evidence is currently insufficient to determine the role of this variant in disease. Therefore, it has been classified as a Variant of Uncertain Significance.

NM_002693.3(POLG):c.2090T>C (p.Leu697Ser)

Gene: POLG (DNA polymerase gamma, catalytic subunit; minus strand). Cytogenetic location: 15q26.1.
Variant type: single nucleotide variant.
Coding change: c.2090T>C on transcript NM_002693.3 (MANE Select); coding-DNA position 2090, T replaced by C.
Protein change: p.Leu697Ser; replaces leucine 697 with serine.
Molecular consequence: missense variant.
Genome position (GRCh38, 1-based): chr15:89,323,882, A>G on the plus strand (T>C on the coding strand, the complement: POLG is on the minus strand). VCF-style: chr15-89323882-A-G. GRCh37 (hg19) VCF-style: chr15-89867113-A-G.
Other names: c.2090T>C, p.Leu697Ser (NM_001126131.2); short protein forms L697S.
Identifiers: ClinVar variation 4702477 (VCV004702477.1).